The following is an entry in ClinVar:

ClinVar aggregate classification (germline): Likely benign (1 of 4 stars; one submission).

gnomAD v4.1: 98 of 1,613,728 alleles (0.0061%); highest among the groups gnomAD compares: South Asian, 0.1%; 3 homozygotes.

Submission:

CeGaT Center for Human Genetics Tuebingen
Classification: Likely benign. Last evaluated: 2026-07-01. Review status: criteria provided, single submitter. Criteria: CeGaT Center For Human Genetics Tuebingen Variant Classification Criteria Version 2. Collection method: clinical testing. Allele origin: germline. Affected: yes. Observed: 1 variant allele.
Comment: GPR152: BP4, BP7

NM_206997.1(GPR152):c.102C>T (p.Val34=)

Genes: GPR152 (G protein-coupled receptor 152; minus strand), CABP4 (calcium binding protein 4; plus strand). Cytogenetic location: 11q13.2.
Variant type: single nucleotide variant.
Coding change: c.102C>T on transcript NM_206997.1 (MANE Select); coding-DNA position 102, C replaced by T.
Protein change: p.Val34=; no amino-acid change (valine 34 retained).
Molecular consequence: synonymous variant. On other transcripts: 5 prime UTR variant (2).
Genome position (GRCh38, 1-based): chr11:67,452,623, G>A on the plus strand (C>T on the coding strand, the complement: GPR152 is on the minus strand). VCF-style: chr11-67452623-G-A. GRCh37 (hg19) VCF-style: chr11-67220094-G-A.
Other names: c.-136G>A (NM_001300896.3); c.-532G>A (NM_001379183.1).
Identifiers: ClinVar variation 5039695 (VCV005039695.1).